The following is an entry in ClinVar:

NM_001148.6(ANK2):c.2806C>G (p.Leu936Val)

Gene: ANK2 (ankyrin 2; plus strand). Cytogenetic location: 4q26.
Variant type: single nucleotide variant.
Coding change: c.2806C>G on transcript NM_001148.6 (MANE Select); coding-DNA position 2806, C replaced by G.
Protein change: p.Leu936Val; replaces leucine 936 with valine.
Molecular consequence: missense variant.
Genome position (GRCh38, 1-based): chr4:113,318,526, C>G. VCF-style: chr4-113318526-C-G. GRCh37 (hg19) VCF-style: chr4-114239682-C-G.
Other names: p.L936V:CTA>GTA; c.2743C>G, p.Leu915Val (NM_001127493.3, NM_001354262.2, NM_001386143.1 and 3 more transcripts); c.2818C>G, p.Leu940Val (NM_001354225.2); c.2806C>G, p.Leu936Val (NM_001354228.2, NM_001354232.2, NM_001354258.2 and 1 more transcripts); c.2848C>G, p.Leu950Val (NM_001354230.2, NM_001354231.2, NM_001354237.2 and 1 more transcripts); c.2803C>G, p.Leu935Val (NM_001354235.2, NM_001354236.2, NM_001354265.2 and 1 more transcripts); c.2740C>G, p.Leu914Val (NM_001354239.2, NM_001386161.1, NM_001354244.2 and 3 more transcripts); c.2851C>G, p.Leu951Val (NM_001354240.2, NM_001354241.2, NM_001386144.1); and 18 more; short protein forms L915V, L936V, L841V, L951V, L865V, L874V, L922V, L950V.
Identifiers: ClinVar variation 190555 (VCV000190555.9), dbSNP rs786205725, ClinGen allele CA300835.

ClinVar aggregate classification (germline): Conflicting classifications of pathogenicity. Review status: criteria provided, conflicting classifications (1 of 4 stars). 4 submissions from 4 submitters: Uncertain significance (3); Benign (1). Last evaluated 2025-09-10.

Conditions:
Cardiovascular phenotype. Identifiers: MedGen CN230736.
Long QT syndrome (LQTS). Identifiers: MedGen C0023976, MeSH D008133, MONDO:0002442. Disease mechanism: loss of function. Inheritance: Various modes of inheritance.

Allele frequency attached by ClinVar (database versions not stated): TOPMed 0.00001.
gnomAD v4.1: 1 of 1,613,536 alleles (0.000062%); no homozygotes.

Submissions (4):

GeneDx
Classification: Uncertain significance. Last evaluated: 2025-09-10. Review status: criteria provided, single submitter. Criteria: GeneDx Variant Classification Process June 2021. Collection method: clinical testing. Allele origin: germline. Affected: yes.
Comment: Not observed at significant frequency in large population cohorts (gnomAD); In silico analysis suggests that this missense variant does not alter protein structure/function; Has not been previously published as pathogenic or benign to our knowledge

Ambry Genetics
Classification: Uncertain significance for Cardiovascular phenotype. Last evaluated: 2025-08-20. Review status: criteria provided, single submitter. Criteria: Ambry Variant Classification Scheme 2023. Collection method: clinical testing. Allele origin: germline.

Labcorp Genetics (formerly Invitae), Labcorp
Classification: Uncertain significance for Long QT syndrome. Last evaluated: 2024-11-06. Review status: criteria provided, single submitter. Criteria: Invitae Variant Classification Sherloc (09022015). Collection method: clinical testing. Allele origin: germline.
Comment: This sequence change replaces leucine, which is neutral and non-polar, with valine, which is neutral and non-polar, at codon 936 of the ANK2 protein (p.Leu936Val). This variant is not present in population databases (gnomAD no frequency). This variant has not been reported in the literature in individuals affected with ANK2-related conditions. ClinVar contains an entry for this variant (Variation ID: 190555). Invitae Evidence Modeling of protein sequence and biophysical properties (such as structural, functional, and spatial information, amino acid conservation, physicochemical variation, residue mobility, and thermodynamic stability) indicates that this missense variant is not expected to disrupt ANK2 protein function with a negative predictive value of 80%. In summary, the available evidence is currently insufficient to determine the role of this variant in disease. Therefore, it has been classified as a Variant of Uncertain Significance.

Mendelics
Classification: Benign. Last evaluated: 2022-05-04. Review status: criteria provided, single submitter. Criteria: Mendelics Assertion Criteria 2019. Collection method: clinical testing. Allele origin: germline.